The following is an entry in ClinVar:

NM_002432.3(MNDA):c.476C>G (p.Pro159Arg)

Gene: MNDA (myeloid cell nuclear differentiation antigen; plus strand). Cytogenetic location: 1q23.1.
Variant type: single nucleotide variant.
Coding change: c.476C>G on transcript NM_002432.3 (MANE Select); coding-DNA position 476, C replaced by G.
Protein change: p.Pro159Arg; replaces proline 159 with arginine.
Molecular consequence: missense variant.
Genome position (GRCh38, 1-based): chr1:158,844,028, C>G. VCF-style: chr1-158844028-C-G. GRCh37 (hg19) VCF-style: chr1-158813818-C-G.
Other names: short protein forms P159R.
Identifiers: ClinVar variation 2560432 (VCV002560432.2), dbSNP rs776081749, ClinGen allele CA343039285.

ClinVar aggregate classification (germline): Uncertain significance (1 of 4 stars; one submission).

Submission:

Ambry Genetics
Classification: Uncertain significance. Last evaluated: 2023-05-14. Review status: criteria provided, single submitter. Criteria: Ambry Variant Classification Scheme 2023. Collection method: clinical testing. Allele origin: germline.
Comment: The p.P159R variant (also known as c.476C>G), located in coding exon 3 of the MNDA gene, results from a C to G substitution at nucleotide position 476. The proline at codon 159 is replaced by arginine, an amino acid with dissimilar properties. This amino acid position is conserved. In addition, this alteration is predicted to be tolerated by in silico analysis. Since supporting evidence is limited at this time, the clinical significance of this alteration remains unclear.